The following is an entry in ClinVar:

ClinVar aggregate classification (germline): Uncertain significance (1 of 4 stars; one submission).

Submission:

Labcorp Genetics (formerly Invitae), Labcorp
Classification: Uncertain significance. Last evaluated: 2022-09-01. Review status: criteria provided, single submitter. Criteria: Invitae Variant Classification Sherloc (09022015). Collection method: clinical testing. Allele origin: germline.
Comment: This sequence change replaces methionine, which is neutral and non-polar, with isoleucine, which is neutral and non-polar, at codon 1804 of the FREM1 protein (p.Met1804Ile). This variant is not present in population databases (gnomAD no frequency). This variant has not been reported in the literature in individuals affected with FREM1-related conditions. ClinVar contains an entry for this variant (Variation ID: 1409668). Algorithms developed to predict the effect of missense changes on protein structure and function (SIFT, PolyPhen-2, Align-GVGD) all suggest that this variant is likely to be tolerated. In summary, the available evidence is currently insufficient to determine the role of this variant in disease. Therefore, it has been classified as a Variant of Uncertain Significance.

NM_001379081.2(FREM1):c.5412G>A (p.Met1804Ile)

Gene: FREM1 (FRAS1 related extracellular matrix 1; minus strand). Cytogenetic location: 9p22.3.
Variant type: single nucleotide variant.
Coding change: c.5412G>A on transcript NM_001379081.2 (MANE Select); coding-DNA position 5412, G replaced by A.
Protein change: p.Met1804Ile; replaces methionine 1804 with isoleucine.
Molecular consequence: missense variant. On other transcripts: non-coding transcript variant (2), intron variant (1).
Genome position (GRCh38, 1-based): chr9:14,750,272, C>T on the plus strand (G>A on the coding strand, the complement: FREM1 is on the minus strand). VCF-style: chr9-14750272-C-T. GRCh37 (hg19) VCF-style: chr9-14750270-C-T.
Other names: c.1020G>A, p.Met340Ile (NM_001177704.3, NM_001370061.2); c.5412G>A, p.Met1804Ile (NM_144966.7); c.1016-1633G>A (NM_001370058.2); short protein forms M1804I, M340I.
Identifiers: ClinVar variation 1409668 (VCV001409668.3), dbSNP rs1843121623, ClinGen allele CA372957459.